The following is an entry in ClinVar:

NM_001199107.2(TBC1D24):c.1399C>A (p.Leu467Ile)

Gene: TBC1D24 (TBC1 domain family member 24; plus strand). Cytogenetic location: 16p13.3.
Variant type: single nucleotide variant.
Coding change: c.1399C>A on transcript NM_001199107.2 (MANE Select); coding-DNA position 1399, C replaced by A.
Protein change: p.Leu467Ile; replaces leucine 467 with isoleucine.
Molecular consequence: missense variant.
Genome position (GRCh38, 1-based): chr16:2,500,364, C>A. VCF-style: chr16-2500364-C-A. GRCh37 (hg19) VCF-style: chr16-2550365-C-A.
Other names: c.1381C>A, p.Leu461Ile (NM_020705.3); short protein forms L461I, L467I.
Identifiers: ClinVar variation 1418990 (VCV001418990.6), dbSNP rs951307443, ClinGen allele CA276810009.

ClinVar aggregate classification (germline): Uncertain significance (1 of 4 stars; one submission).

Conditions:
Developmental and epileptic encephalopathy, 1 (DEE1). Also called: X-linked infantile spasms; West's syndrome; Tonic spasms with clustering, arrest of psychomotor development and hypsarrhythmia on EEG; X-Linked Infantile Spasm Syndrome; OHTAHARA SYNDROME, X-LINKED; INFANTILE SPASM SYNDROME, X-LINKED 1. Identifiers: MedGen C3463992, MONDO:0010632, OMIM 308350. Disease mechanism: loss of function.
Autosomal dominant nonsyndromic hearing loss 65. Also called: TBC1D24-Related Autosomal Dominant Nonsyndromic Hearing Loss (DFNA); Deafness, autosomal dominant 65. Identifiers: Orphanet 90635, MedGen C3892048, MONDO:0014470, OMIM 616044.

Allele frequency attached by ClinVar (database versions not stated): TOPMed 0.00001; gnomAD 0.00001.

Submission:

Labcorp Genetics (formerly Invitae), Labcorp
Classification: Uncertain significance for Developmental and epileptic encephalopathy, 1; Autosomal dominant nonsyndromic hearing loss 65. Last evaluated: 2023-05-09. Review status: criteria provided, single submitter. Criteria: Invitae Variant Classification Sherloc (09022015). Collection method: clinical testing. Allele origin: germline.
Comment: In summary, the available evidence is currently insufficient to determine the role of this variant in disease. Therefore, it has been classified as a Variant of Uncertain Significance. ClinVar contains an entry for this variant (Variation ID: 1418990). This variant has not been reported in the literature in individuals affected with TBC1D24-related conditions. Advanced modeling of protein sequence and biophysical properties (such as structural, functional, and spatial information, amino acid conservation, physicochemical variation, residue mobility, and thermodynamic stability) performed at Invitae indicates that this missense variant is not expected to disrupt TBC1D24 protein function. This sequence change replaces leucine, which is neutral and non-polar, with isoleucine, which is neutral and non-polar, at codon 467 of the TBC1D24 protein (p.Leu467Ile). This variant is not present in population databases (gnomAD no frequency).